The following is an entry in ClinVar:

NM_000108.5(DLD):c.39+17T>A

Gene: DLD (dihydrolipoamide dehydrogenase; plus strand). Cytogenetic location: 7q31.1.
Variant type: single nucleotide variant.
Coding change: c.39+17T>A on transcript NM_000108.5 (MANE Select); 17 bases into the intron after coding-DNA position 39, T replaced by A.
Molecular consequence: intron variant.
Genome position (GRCh38, 1-based): chr7:107,891,306, T>A. VCF-style: chr7-107891306-T-A. GRCh37 (hg19) VCF-style: chr7-107531751-T-A.
Other names: c.39+17T>A (NM_001289752.1, NM_001289751.1); c.-110+17T>A (NM_001289750.1).
Identifiers: ClinVar variation 5007136 (VCV005007136.2).

ClinVar aggregate classification (germline): Uncertain significance (1 of 4 stars; one submission).

Conditions:
Pyruvate dehydrogenase E3 deficiency (DLDD). Also called: Dihydrolipoamide Dehydrogenase E3 Deficiency; Dihydrolipoamide Dehydrogenase (E3) Deficiency; Lipoamide dehydrogenase deficiency, lactic acidosis due to; Dihydrolipoamide Dehydrogenase Deficiency; Lipoamide dehydrogenase deficiency; DLD DEFICIENCY. Identifiers: Orphanet 2394, Orphanet 765, MedGen C5574660, MONDO:0009529, OMIM 246900.

Submission:

Juno Genomics, Hangzhou Juno Genomics, Inc
Classification: Uncertain significance for Pyruvate dehydrogenase E3 deficiency. Review status: criteria provided, single submitter. Criteria: ACMG Guidelines, 2015. Collection method: clinical testing. Allele origin: germline.
Comment: Absent from controls (or at extremely low frequency if recessive) in Genome Aggregation Database.;Multiple lines of computational evidence support a deleterious effect on the gene or gene product.